The following is an entry in ClinVar:

ClinVar aggregate classification (germline): Benign (1 of 4 stars; one submission).

Conditions:
Spinocerebellar ataxia type 27 (SCA27). Identifiers: Orphanet 98764, MedGen C1836383, MONDO:0012247.

Allele frequency attached by ClinVar (database versions not stated): 1000 Genomes Project 0.01677; gnomAD 0.01697 and 0.01834; TOPMed 0.01903.

Submission:

Illumina Laboratory Services, Illumina
Classification: Benign for Spinocerebellar ataxia 27A. Last evaluated: 2018-01-12. Review status: criteria provided, single submitter. Criteria: ICSL Variant Classification Criteria 13 December 2019. Collection method: clinical testing. Allele origin: germline.
Comment: This variant was observed in the ICSL laboratory as part of a predisposition screen in an ostensibly healthy population. It had not been previously curated by ICSL or reported in the Human Gene Mutation Database (HGMD: prior to June 1st, 2018), and was therefore a candidate for classification through an automated scoring system. Utilizing variant allele frequency, disease prevalence and penetrance estimates, and inheritance mode, an automated score was calculated to assess if this variant is too frequent to cause the disease. Based on the score and internal cut-off values, a variant classified as benign is not then subjected to further curation. The score for this variant resulted in a classification of benign for this disease.

NM_004115.4(FGF14):c.*1063G>A

Gene: FGF14 (fibroblast growth factor 14; minus strand). Cytogenetic location: 13q33.1.
Variant type: single nucleotide variant.
Coding change: c.*1063G>A on transcript NM_004115.4 (MANE Select); 1063 bases downstream of the stop codon, G replaced by A.
Molecular consequence: 3 prime UTR variant.
Genome position (GRCh38, 1-based): chr13:101,721,768, C>T on the plus strand (G>A on the coding strand, the complement: FGF14 is on the minus strand). VCF-style: chr13-101721768-C-T. GRCh37 (hg19) VCF-style: chr13-102374118-C-T.
Other names: c.*1063G>A (NM_001321931.1, NM_001321932.1, NM_001321933.1 and 17 more transcripts).
Identifiers: ClinVar variation 310874 (VCV000310874.5), dbSNP rs58555898, ClinGen allele CA10633778.
Genomic context (GRCh38, chr13:101,721,768, plus strand): 5'-ACAGCCGTCTTGCCCATGCTCTGCTGAGTATGAGGGGAACGCAGCCAGAAACGGGGATGG[C>T]GTTAAGTTTGGTTCATTAAAAACAGGACGGAGTATATCTGAAATGGATTTAGGTAGCGCA-3'